The following is an entry in ClinVar:

NC_000007.14:g.(?_5991963)_(5999285_?)del

Gene: PMS2 (PMS1 homolog 2, mismatch repair system component; minus strand). Cytogenetic location: 7p22.1.
Variant type: Deletion.
Identifiers: ClinVar variation 832147 (VCV000832147.5).

ClinVar aggregate classification (germline): Pathogenic (1 of 4 stars; one submission).

Conditions:
Hereditary nonpolyposis colorectal neoplasms. Identifiers: MedGen C0009405, MeSH D003123.

Submission:

Labcorp Genetics (formerly Invitae), Labcorp
Classification: Pathogenic for Hereditary nonpolyposis colorectal neoplasms. Last evaluated: 2022-04-29. Review status: criteria provided, single submitter. Criteria: Invitae Variant Classification Sherloc (09022015). Collection method: clinical testing. Allele origin: germline.
Comment: This variant is a gross deletion of the genomic region encompassing exon(s) 6-9 of the PMS2 gene. This deletion is out-of-frame, and is expected to create a premature termination codon and result in an absent or disrupted protein product. Loss-of-function variants in PMS2 are known to be pathogenic (PMID: 21376568, 24362816). A similar copy number variant has been observed in individual(s) with colorectal cancer (PMID: 20205264). For these reasons, this variant has been classified as Pathogenic.

Literature cited by the submitters: PubMed 21376568; PubMed 24362816; PubMed 20205264.